The following is an entry in ClinVar:

NM_000388.4(CASR):c.641_642delinsGG (p.Ala214Gly)

Gene: CASR (calcium sensing receptor; plus strand). Cytogenetic location: 3q21.1.
Variant type: Indel.
Coding change: c.641_642delinsGG on transcript NM_000388.4 (MANE Select); coding-DNA positions 641 to 642, CT replaced by GG.
Protein change: p.Ala214Gly; replaces alanine 214 with glycine.
Molecular consequence: missense variant.
Genome position (GRCh38, 1-based): chr3:122,261,676-122,261,677, CT replaced by GG. VCF-style: chr3-122261676-CT-GG. GRCh37 (hg19) VCF-style: chr3-121980523-CT-GG.
Other names: c.641_642delinsGG, p.Ala214Gly (NM_001178065.2); short protein forms A214G.
Identifiers: ClinVar variation 4786837 (VCV004786837.1).

ClinVar aggregate classification (germline): Uncertain significance (1 of 4 stars; one submission).

Conditions:
Familial hypocalciuric hypercalcemia (FHH). Also called: Familial benign hypercalcemia. Identifiers: Orphanet 405, MedGen C1809471, MONDO:0018458.
Autosomal dominant hypocalcemia 1 (HYPOC1). Also called: HYPOCALCEMIA, FAMILIAL. Identifiers: MedGen C3715128, MONDO:0011013, OMIM 601198.

Submission:

Labcorp Genetics (formerly Invitae), Labcorp
Classification: Uncertain significance for Familial hypocalciuric hypercalcemia; Autosomal dominant hypocalcemia 1. Last evaluated: 2025-11-27. Review status: criteria provided, single submitter. Criteria: Invitae Variant Classification Sherloc (09022015). Collection method: clinical testing. Allele origin: germline.
Comment: This sequence change replaces alanine, which is neutral and non-polar, with glycine, which is neutral and non-polar, at codon 214 of the CASR protein (p.Ala214Gly). Information on the frequency of this variant in the gnomAD database is not available, as this variant may be reported differently in the database. This variant has not been reported in the literature in individuals affected with CASR-related conditions. An algorithm developed to predict the effect of missense changes on protein structure and function (PolyPhen-2) suggests that this variant is likely to be tolerated. In summary, the available evidence is currently insufficient to determine the role of this variant in disease. Therefore, it has been classified as a Variant of Uncertain Significance.